The following is an entry in ClinVar:

ClinVar aggregate classification (germline): Benign/Likely benign. Review status: criteria provided, multiple submitters, no conflicts (2 of 4 stars). 10 submissions from 10 submitters: Benign (6); Likely benign (3). 1 of the submissions does not count toward it. Last evaluated 2026-07-01.

Conditions:
NSD1-related disorder. Also called: NSD1-related condition.
Sotos syndrome (SOTOS). Also called: CHROMOSOME 5q35 DELETION SYNDROME; CEREBRAL GIGANTISM; Sotos' syndrome; Distinctive facial appearance, overgrowth in childhood, and learning disabilities or delayed development; SOTOS SYNDROME 1. Identifiers: Orphanet 821, MedGen C0175695, MONDO:0019349, OMIM 117550.
Inborn genetic diseases. Identifiers: MedGen C0950123, MeSH D030342.

Allele frequency attached by ClinVar (database versions not stated): gnomAD exomes 0.00108 and 0.00212; ESP Exome Variant Server 0.00131; TOPMed 0.00131; gnomAD 0.00133; ExAC 0.00163.
gnomAD v4.1: 1,937 of 1,614,018 alleles (0.12%); highest among the groups gnomAD compares: Middle Eastern, 0.36%; 20 homozygotes.

Submissions (10):

CeGaT Center for Human Genetics Tuebingen
Classification: Likely benign. Last evaluated: 2026-07-01. Review status: criteria provided, single submitter. Criteria: CeGaT Center For Human Genetics Tuebingen Variant Classification Criteria Version 2. Collection method: clinical testing. Allele origin: germline. Affected: yes. Observed: 19 variant alleles.
Comment: NSD1: BP4, BP7, BS1

Labcorp Genetics (formerly Invitae), Labcorp
Classification: Benign. Last evaluated: 2026-01-13. Review status: criteria provided, single submitter. Criteria: Invitae Variant Classification Sherloc (09022015). Collection method: clinical testing. Allele origin: germline.

Fulgent Genetics
Classification: Benign for Sotos syndrome. Last evaluated: 2021-08-06. Review status: criteria provided, single submitter. Criteria: ACMG Guidelines, 2015. Collection method: clinical testing. Allele origin: unknown.

Genome-Nilou Lab
Classification: Benign for Sotos syndrome. Last evaluated: 2021-07-15. Review status: criteria provided, single submitter. Criteria: ACMG Guidelines, 2015. Collection method: clinical testing. Allele origin: germline. Affected: no.

Genetic Services Laboratory, University of Chicago
Classification: Benign. Last evaluated: 2019-01-04. Review status: criteria provided, single submitter. Criteria: ACMG Guidelines, 2015. Collection method: clinical testing. Allele origin: germline. Affected: no.

Ambry Genetics
Classification: Likely benign for Inborn genetic diseases. Last evaluated: 2016-06-21. Review status: criteria provided, single submitter. Criteria: Ambry Variant Classification Scheme 2023. Collection method: clinical testing. Allele origin: germline.

GeneDx
Classification: Benign. Last evaluated: 2015-04-06. Review status: criteria provided, single submitter. Criteria: GeneDx Variant Classification (06012015). Collection method: clinical testing. Allele origin: germline. Affected: yes.
Comment: This variant is considered likely benign or benign based on one or more of the following criteria: it is a conservative change, it occurs at a poorly conserved position in the protein, it is predicted to be benign by multiple in silico algorithms, and/or has population frequency not consistent with disease.

Eurofins Ntd Llc (ga)
Classification: Benign. Last evaluated: 2013-06-28. Review status: criteria provided, single submitter. Criteria: EGL Classification Definitions 2015. Collection method: clinical testing. Allele origin: germline. Observed: 4 variant alleles, 4 heterozygotes.

Breakthrough Genomics
Classification: Likely benign. Review status: criteria provided, single submitter. Criteria: ACMG Guidelines, 2015. Collection method: not provided. Allele origin: germline. Inheritance: Autosomal dominant inheritance. Affected: yes.

PreventionGenetics, part of Exact Sciences
Classification: Benign for NSD1-related condition. Last evaluated: 2019-07-02. Review status: no assertion criteria provided. Collection method: clinical testing. Allele origin: germline. Not counted in ClinVar's aggregate classification.
Comment: This variant is classified as benign based on ACMG/AMP sequence variant interpretation guidelines (Richards et al. 2015 PMID: 25741868, with internal and published modifications).

NM_022455.5(NSD1):c.2835T>C (p.Ser945=)

Gene: NSD1 (nuclear receptor binding SET domain protein 1; plus strand). Cytogenetic location: 5q35.3.
Variant type: single nucleotide variant.
Coding change: c.2835T>C on transcript NM_022455.5 (MANE Select); coding-DNA position 2835, T replaced by C.
Protein change: p.Ser945=; no amino-acid change (serine 945 retained).
Molecular consequence: synonymous variant.
Genome position (GRCh38, 1-based): chr5:177,211,234, T>C. VCF-style: chr5-177211234-T-C. GRCh37 (hg19) VCF-style: chr5-176638235-T-C.
Other names: c.1962T>C, p.Ser654= (NM_001365684.2, NM_001409306.1, NM_001409307.1 and 3 more transcripts); c.2835T>C, p.Ser945= (NM_001409301.1, NM_001409302.1, NM_001409303.1); c.2415T>C, p.Ser805= (NM_001409304.1); c.2082T>C, p.Ser694= (NM_001409305.1).
Identifiers: ClinVar variation 96049 (VCV000096049.48), dbSNP rs145987330, ClinGen allele CA149193.